The following is an entry in ClinVar:

NM_198075.4(LRRC56):c.92C>T (p.Pro31Leu)

Gene: LRRC56 (leucine rich repeat containing 56; plus strand). Cytogenetic location: 11p15.5.
Variant type: single nucleotide variant.
Coding change: c.92C>T on transcript NM_198075.4 (MANE Select); coding-DNA position 92, C replaced by T.
Protein change: p.Pro31Leu; replaces proline 31 with leucine.
Molecular consequence: missense variant.
Genome position (GRCh38, 1-based): chr11:540,776, C>T. VCF-style: chr11-540776-C-T. GRCh37 (hg19) VCF-style: chr11-540776-C-T.
Other names: c.92C>T, p.Pro31Leu (NM_001441283.1, NM_001441284.1, NM_001441285.1 and 1 more transcripts); short protein forms P31L.
Identifiers: ClinVar variation 4691746 (VCV004691746.1).

ClinVar aggregate classification (germline): Uncertain significance (1 of 4 stars; one submission).

gnomAD v4.1: 8 of 1,609,996 alleles (0.0005%); highest among the groups gnomAD compares: Non-Finnish European, 0.00068%; no homozygotes.

Submission:

Labcorp Genetics (formerly Invitae), Labcorp
Classification: Uncertain significance. Last evaluated: 2025-04-24. Review status: criteria provided, single submitter. Criteria: Invitae Variant Classification Sherloc (09022015). Collection method: clinical testing. Allele origin: germline.
Comment: This sequence change replaces proline, which is neutral and non-polar, with leucine, which is neutral and non-polar, at codon 31 of the LRRC56 protein (p.Pro31Leu). This variant is present in population databases (no rsID available, gnomAD 0.0009%). This variant has not been reported in the literature in individuals affected with LRRC56-related conditions. Invitae Evidence Modeling of protein sequence and biophysical properties (such as structural, functional, and spatial information, amino acid conservation, physicochemical variation, residue mobility, and thermodynamic stability) indicates that this missense variant is expected to disrupt LRRC56 protein function with a positive predictive value of 80%. In summary, the available evidence is currently insufficient to determine the role of this variant in disease. Therefore, it has been classified as a Variant of Uncertain Significance.